The following is an entry in ClinVar:

ClinVar aggregate classification (germline): Likely benign (0 of 4 stars; one submission).

Conditions:
ITIH6-related disorder. Also called: ITIH6-related condition.

Allele frequency attached by ClinVar (database versions not stated): gnomAD 0.00024; 1000 Genomes Project 0.00026; 1000 Genomes Project 30x 0.00042; ESP Exome Variant Server 0.00057.
gnomAD v4.1: 555 of 1,209,287 alleles (0.046%); highest among the groups gnomAD compares: Non-Finnish European, 0.06%; no homozygotes.

Submission:

PreventionGenetics, part of Exact Sciences
Classification: Likely benign for ITIH6-related condition. Last evaluated: 2022-06-20. Review status: no assertion criteria provided. Collection method: clinical testing. Allele origin: germline.
Comment: This variant is classified as likely benign based on ACMG/AMP sequence variant interpretation guidelines (Richards et al. 2015 PMID: 25741868, with internal and published modifications).

NM_198510.3(ITIH6):c.1337G>C (p.Arg446Pro)

Gene: ITIH6 (inter-alpha-trypsin inhibitor heavy chain family member 6; minus strand). Cytogenetic location: Xp11.22.
Variant type: single nucleotide variant.
Coding change: c.1337G>C on transcript NM_198510.3 (MANE Select); coding-DNA position 1337, G replaced by C.
Protein change: p.Arg446Pro; replaces arginine 446 with proline.
Molecular consequence: missense variant.
Genome position (GRCh38, 1-based): chrX:54,758,737, C>G on the plus strand (G>C on the coding strand, the complement: ITIH6 is on the minus strand). VCF-style: chrX-54758737-C-G. GRCh37 (hg19) VCF-style: chrX-54785170-C-G.
Other names: short protein forms R446P.
Identifiers: ClinVar variation 3048330 (VCV003048330.2), dbSNP rs145453852, ClinGen allele CA10426294.